The following is an entry in ClinVar:

ClinVar aggregate classification (germline): Uncertain significance. Review status: criteria provided, multiple submitters, no conflicts (2 of 4 stars). 2 submissions from 2 submitters: Uncertain significance (2). Last evaluated 2023-07-07.

Conditions:
Congenital hyperammonemia, type I. Also called: CPS I DEFICIENCY; Carbamoyl-phosphate synthase I deficiency; Carbamoyl phosphate synthetase 1 deficiency; Hyperammonemia due to carbamoyl phosphate synthetase 1 deficiency; CPS 1 deficiency; Carbamyl phosphate synthetase (CPS) deficiency. Identifiers: Orphanet 147, MedGen C4082171, MONDO:0009376, OMIM 237300.

Allele frequency attached by ClinVar (database versions not stated): gnomAD exomes below 0.00001.
gnomAD v4.1: 2 of 1,613,806 alleles (0.00012%); highest among the groups gnomAD compares: Non-Finnish European, 0.00017%; no homozygotes.

Submissions (2):

GeneDx
Classification: Uncertain significance. Last evaluated: 2023-07-07. Review status: criteria provided, single submitter. Criteria: GeneDx Variant Classification Process June 2021. Collection method: clinical testing. Allele origin: germline. Affected: yes.
Comment: Not observed at significant frequency in large population cohorts (gnomAD); In silico analysis supports that this missense variant has a deleterious effect on protein structure/function; Has not been previously published as pathogenic or benign to our knowledge

Labcorp Genetics (formerly Invitae), Labcorp
Classification: Uncertain significance for Congenital hyperammonemia, type I. Last evaluated: 2021-07-19. Review status: criteria provided, single submitter. Criteria: Invitae Variant Classification Sherloc (09022015). Collection method: clinical testing. Allele origin: germline.
Comment: This sequence change replaces leucine with arginine at codon 94 of the CPS1 protein (p.Leu94Arg). The leucine residue is highly conserved and there is a moderate physicochemical difference between leucine and arginine. This variant is not present in population databases (ExAC no frequency). This variant has not been reported in the literature in individuals with CPS1-related conditions. Algorithms developed to predict the effect of missense changes on protein structure and function are either unavailable or do not agree on the potential impact of this missense change (SIFT: "Deleterious"; PolyPhen-2: "Probably Damaging"; Align-GVGD: "Class C0"). In summary, the available evidence is currently insufficient to determine the role of this variant in disease. Therefore, it has been classified as a Variant of Uncertain Significance.

NM_001875.5(CPS1):c.281T>G (p.Leu94Arg)

Gene: CPS1 (carbamoyl-phosphate synthase 1; plus strand). Cytogenetic location: 2q34.
Variant type: single nucleotide variant.
Coding change: c.281T>G on transcript NM_001875.5 (MANE Select); coding-DNA position 281, T replaced by G.
Protein change: p.Leu94Arg; replaces leucine 94 with arginine.
Molecular consequence: missense variant. On other transcripts: non-coding transcript variant (1).
Genome position (GRCh38, 1-based): chr2:210,576,390, T>G. VCF-style: chr2-210576390-T-G. GRCh37 (hg19) VCF-style: chr2-211441114-T-G.
Other names: c.281T>G, p.Leu94Arg (NM_001122633.3, NM_001369257.1); c.314T>G, p.Leu105Arg (NM_001369256.1); c.281T>G (NM_001875.4); short protein forms L105R, L94R.
Identifiers: ClinVar variation 1361080 (VCV001361080.9), dbSNP rs1697713175, ClinGen allele CA350423020.
Genomic context (GRCh38, chr2:210,576,390, plus strand): 5'-TGGCATGTTTACCCAGGTACCCAGAAGCTATTACTGACCCTGCCTACAAAGGACAGATTC[T>G]CACAATGGCCAACCCTATTATTGGGAATGGTGGAGCTCCTGATACTACTGCTCTGGATGA-3'
Protein context (NP_001866.2, residues 84-104): ITDPAYKGQI[Leu94Arg]TMANPIIGNG